The following is an entry in ClinVar:

ClinVar aggregate classification (germline): Uncertain significance (1 of 4 stars; one submission).

Conditions:
Developmental and epileptic encephalopathy, 30 (DEE30). Also called: Epileptic encephalopathy, early infantile, 30. Identifiers: MedGen C4225360, MONDO:0014595, OMIM 616341.

Allele frequency attached by ClinVar (database versions not stated): ExAC 0.00001; gnomAD exomes 0.00001.

Submission:

Labcorp Genetics (formerly Invitae), Labcorp
Classification: Uncertain significance for Developmental and epileptic encephalopathy, 30. Last evaluated: 2025-11-23. Review status: criteria provided, single submitter. Criteria: Invitae Variant Classification Sherloc (09022015). Collection method: clinical testing. Allele origin: germline.
Comment: This sequence change replaces threonine, which is neutral and polar, with methionine, which is neutral and non-polar, at codon 496 of the SIK1 protein (p.Thr496Met). This variant is present in population databases (rs539292224, gnomAD 0.004%). This variant has not been reported in the literature in individuals affected with SIK1-related conditions. ClinVar contains an entry for this variant (Variation ID: 846336). Invitae Evidence Modeling of protein sequence and biophysical properties (such as structural, functional, and spatial information, amino acid conservation, physicochemical variation, residue mobility, and thermodynamic stability) indicates that this missense variant is not expected to disrupt SIK1 protein function with a negative predictive value of 95%. In summary, the available evidence is currently insufficient to determine the role of this variant in disease. Therefore, it has been classified as a Variant of Uncertain Significance.

NM_173354.5(SIK1):c.1487C>T (p.Thr496Met)

Gene: SIK1 (salt inducible kinase 1; minus strand). Cytogenetic location: 21q22.3.
Variant type: single nucleotide variant.
Coding change: c.1487C>T on transcript NM_173354.5 (MANE Select); coding-DNA position 1487, C replaced by T.
Protein change: p.Thr496Met; replaces threonine 496 with methionine.
Molecular consequence: missense variant.
Genome position (GRCh38, 1-based): chr21:43,418,517, G>A on the plus strand (C>T on the coding strand, the complement: SIK1 is on the minus strand). VCF-style: chr21-43418517-G-A. GRCh37 (hg19) VCF-style: chr21-44838397-G-A.
Other names: short protein forms T496M.
Identifiers: ClinVar variation 846336 (VCV000846336.10), dbSNP rs539292224, ClinGen allele CA321325512.
Genomic context (GRCh38, chr21:43,418,517, plus strand): 5'-CTTTTGCTCGCAGAGAAGGTCAGACAACTGTCAGAGCTGGTTCCCTCTGCAGGACTTGCC[G>A]TGGTGGAGGGGGAGACGACTATACCTGTGGGGGGAGGACAGCGCTTTTGATGCTGCAGTG-3'
Protein context (NP_775490.2, residues 486-506): APCIVVSPST[Thr496Met]ASPAEGTSSD